The following is an entry in ClinVar:

ClinVar aggregate classification (germline): Likely benign. Review status: criteria provided, multiple submitters, no conflicts (2 of 4 stars). 4 submissions from 4 submitters: Likely benign (4). Last evaluated 2024-06-07.

Allele frequency attached by ClinVar (database versions not stated): gnomAD exomes 0.00003 and 0.00007; ExAC 0.00019; gnomAD 0.00034 and 0.00039; TOPMed 0.00040.
gnomAD v4.1: 98 of 1,550,268 alleles (0.0063%); highest among the groups gnomAD compares: African/African-American, 0.13%; no homozygotes.

Submissions (4):

Labcorp Genetics (formerly Invitae), Labcorp
Classification: Likely benign. Last evaluated: 2024-06-07. Review status: criteria provided, single submitter. Criteria: Invitae Variant Classification Sherloc (09022015). Collection method: clinical testing. Allele origin: germline.

GeneDx
Classification: Likely benign. Last evaluated: 2020-10-20. Review status: criteria provided, single submitter. Criteria: GeneDx Variant Classification Process June 2021. Collection method: clinical testing. Allele origin: germline. Affected: yes.

Blueprint Genetics
Classification: Likely benign. Last evaluated: 2020-07-22. Review status: criteria provided, single submitter. Criteria: ACMG Guidelines, 2015. Collection method: clinical testing. Allele origin: germline.

Laboratory for Molecular Medicine, Mass General Brigham Personalized Medicine
Classification: Likely benign. Last evaluated: 2017-03-31. Review status: criteria provided, single submitter. Criteria: LMM Criteria. Collection method: clinical testing. Allele origin: germline. Observed: 1 variant allele.
Comment: p.Leu553Leu in exon 14 of OTOG: This variant is not expected to have clinical si gnificance because it does not alter an amino acid residue and is not located wi thin the splice consensus sequence. It has been identified in 0.3% (3/910) of Af rican chromosomes by the Exome Aggregation Consortium (ExAC; dbSNP rs755383141).

NM_001292063.2(OTOG):c.1623G>A (p.Leu541=)

Gene: OTOG (otogelin; plus strand). Cytogenetic location: 11p15.1.
Variant type: single nucleotide variant.
Coding change: c.1623G>A on transcript NM_001292063.2 (MANE Select); coding-DNA position 1623, G replaced by A.
Protein change: p.Leu541=; no amino-acid change (leucine 541 retained).
Molecular consequence: synonymous variant.
Genome position (GRCh38, 1-based): chr11:17,561,786, G>A. VCF-style: chr11-17561786-G-A. GRCh37 (hg19) VCF-style: chr11-17583333-G-A.
Other names: c.1659G>A, p.Leu553= (NM_001277269.2).
Identifiers: ClinVar variation 505680 (VCV000505680.11), dbSNP rs755383141, ClinGen allele CA5905510.